The following is an entry in ClinVar:

ClinVar aggregate classification (germline): Uncertain significance (1 of 4 stars; one submission).

Allele frequency attached by ClinVar (database versions not stated): gnomAD exomes 0.00001.

Submission:

Labcorp Genetics (formerly Invitae), Labcorp
Classification: Uncertain significance. Last evaluated: 2021-11-02. Review status: criteria provided, single submitter. Criteria: Invitae Variant Classification Sherloc (09022015). Collection method: clinical testing. Allele origin: germline.
Comment: This variant is not present in population databases (gnomAD no frequency). In summary, the available evidence is currently insufficient to determine the role of this variant in disease. Therefore, it has been classified as a Variant of Uncertain Significance. Algorithms developed to predict the effect of missense changes on protein structure and function are either unavailable or do not agree on the potential impact of this missense change (SIFT: "Deleterious"; PolyPhen-2: "Benign"; Align-GVGD: "Class C0"). This variant has not been reported in the literature in individuals affected with EPHB4-related conditions. This sequence change replaces proline, which is neutral and non-polar, with leucine, which is neutral and non-polar, at codon 67 of the EPHB4 protein (p.Pro67Leu).

NM_004444.5(EPHB4):c.200C>T (p.Pro67Leu)

Gene: EPHB4 (EPH receptor B4; minus strand). Cytogenetic location: 7q22.1.
Variant type: single nucleotide variant.
Coding change: c.200C>T on transcript NM_004444.5 (MANE Select); coding-DNA position 200, C replaced by T.
Protein change: p.Pro67Leu; replaces proline 67 with leucine.
Molecular consequence: missense variant.
Genome position (GRCh38, 1-based): chr7:100,823,855, G>A on the plus strand (C>T on the coding strand, the complement: EPHB4 is on the minus strand). VCF-style: chr7-100823855-G-A. GRCh37 (hg19) VCF-style: chr7-100421477-G-A.
Other names: short protein forms P67L.
Identifiers: ClinVar variation 1347426 (VCV001347426.6), dbSNP rs34653459, ClinGen allele CA163288047.